The following is an entry in ClinVar:

NM_007294.4(BRCA1):c.825C>T (p.Gly275=)

Gene: BRCA1 (BRCA1 DNA repair associated; minus strand). Cytogenetic location: 17q21.31.
Variant type: single nucleotide variant.
Coding change: c.825C>T on transcript NM_007294.4 (MANE Select); coding-DNA position 825, C replaced by T.
Protein change: p.Gly275=; no amino-acid change (glycine 275 retained).
Molecular consequence: synonymous variant. On other transcripts: 5 prime UTR variant (2), intron variant (137).
Genome position (GRCh38, 1-based): chr17:43,094,706, G>A on the plus strand (C>T on the coding strand, the complement: BRCA1 is on the minus strand). VCF-style: chr17-43094706-G-A. GRCh37 (hg19) VCF-style: chr17-41246723-G-A.
Other names: p.G275G:GGC>GGT; c.612C>T, p.Gly204= (NM_001407571.1, NM_001407853.1, NM_001407894.1 and 9 more transcripts); c.825C>T, p.Gly275= (NM_001407581.1, NM_001407582.1, NM_001407583.1 and 30 more transcripts); c.822C>T, p.Gly274= (NM_001407587.1, NM_001407590.1, NM_001407591.1 and 22 more transcripts); c.816C>T, p.Gly272= (NM_001407646.1, NM_001407647.1); c.702C>T, p.Gly234= (NM_001407648.1, NM_001407664.1, NM_001407665.1 and 19 more transcripts); c.699C>T, p.Gly233= (NM_001407649.1, NM_001407670.1, NM_001407671.1 and 11 more transcripts); c.747C>T, p.Gly249= (NM_001407653.1, NM_001407654.1, NM_001407655.1 and 4 more transcripts); and 41 more.
Identifiers: ClinVar variation 55727 (VCV000055727.37), dbSNP rs397509328, ClinGen allele CA003923.

ClinVar aggregate classification (germline): Likely benign. Review status: reviewed by expert panel (3 of 4 stars). 12 submissions from 12 submitters: Likely benign (1). 11 of the submissions do not count toward it. Last evaluated 2017-06-29.

Conditions:
BRCA1-related disorder. Also called: BRCA1-related condition.
Hereditary cancer-predisposing syndrome. Also called: Hereditary Cancer Syndrome; Hereditary neoplastic syndrome; Neoplastic Syndromes, Hereditary; Tumor predisposition. Identifiers: Orphanet 140162, MedGen C0027672, MeSH D009386, MONDO:0015356.
Hereditary breast ovarian cancer syndrome. Also called: BRCA1- and BRCA2-Associated Hereditary Breast and Ovarian Cancer; Hereditary breast and ovarian cancer syndrome; Hereditary breast and ovarian cancer syndrome (HBOC); Breast and ovarian cancer; Hereditary breast and/or ovarian cancer syndrome; Hereditary breast and ovarian cancer. Identifiers: Orphanet 145, MedGen C0677776, MeSH D061325, MONDO:0003582. Disease mechanism: loss of function.
Breast-ovarian cancer, familial, susceptibility to, 1 (BROVCA1). Also called: BRCA1 Hereditary Breast and Ovarian Cancer; OVARIAN CANCER, SUSCEPTIBILITY TO. Identifiers: Orphanet 145, MedGen C2676676, MONDO:0011450, OMIM 604370. Disease mechanism: loss of function.
Malignant tumor of breast. Also called: Cancer breast; Malignant breast neoplasm. Identifiers: MedGen C0006142, MONDO:0007254. Disease mechanism: loss of function.

Allele frequency attached by ClinVar (database versions not stated): gnomAD 0.00003 and 0.00001; 1000 Genomes Project 30x 0.00031; 1000 Genomes Project 0.00040; ExAC 0.00006; TOPMed 0.00005; gnomAD exomes 0.00006.
gnomAD v4.1: 73 of 1,612,298 alleles (0.0045%); highest among the groups gnomAD compares: East Asian, 0.013%; no homozygotes.

Submissions (12):

Evidence-based Network for the Interpretation of Germline Mutant Alleles (ENIGMA)
Classification: Likely benign for Breast-ovarian cancer, familial, susceptibility to, 1. Last evaluated: 2017-06-29. Review status: reviewed by expert panel. Criteria: ENIGMA BRCA1/2 Classification Criteria (2017-06-29). Collection method: curation. Allele origin: germline.
Comment: Synonymous substitution variant, with low bioinformatic likelihood to result in a splicing aberration (Splicing prior probability 0.02).

Labcorp Genetics (formerly Invitae), Labcorp
Classification: Likely benign for Hereditary breast ovarian cancer syndrome. Last evaluated: 2026-01-25. Review status: criteria provided, single submitter. Criteria: Invitae Variant Classification Sherloc (09022015). Collection method: clinical testing. Allele origin: germline. Not counted in ClinVar's aggregate classification.

Center for Genomic Medicine, Rigshospitalet, Copenhagen University Hospital
Classification: Likely benign. Last evaluated: 2025-03-04. Review status: criteria provided, single submitter. Criteria: ACMG Guidelines, 2015. Collection method: clinical testing. Allele origin: germline. Not counted in ClinVar's aggregate classification.

Quest Diagnostics Nichols Institute San Juan Capistrano
Classification: Likely benign. Last evaluated: 2025-01-09. Review status: criteria provided, single submitter. Criteria: Quest Diagnostics criteria. Collection method: clinical testing. Allele origin: unknown. Not counted in ClinVar's aggregate classification.

Women's Health and Genetics/Laboratory Corporation of America, LabCorp
Classification: Likely benign. Last evaluated: 2020-09-03. Review status: criteria provided, single submitter. Criteria: LabCorp Variant Classification Summary - May 2015. Collection method: clinical testing. Allele origin: germline. Not counted in ClinVar's aggregate classification.

ARUP Laboratories, Molecular Genetics and Genomics, ARUP Laboratories
Classification: Likely benign. Last evaluated: 2019-11-04. Review status: criteria provided, single submitter. Criteria: ARUP Molecular Germline Variant Investigation Process. Collection method: clinical testing. Allele origin: germline. Not counted in ClinVar's aggregate classification.

GeneDx
Classification: Likely benign. Last evaluated: 2019-05-31. Review status: criteria provided, single submitter. Criteria: GeneDx Variant Classification Process June 2021. Collection method: clinical testing. Allele origin: germline. Affected: yes. Not counted in ClinVar's aggregate classification.
Comment: This variant is associated with the following publications: (PMID: 22615956, 20104584, 19370767, 16267036, 29168416)

Color Diagnostics, LLC DBA Color Health
Classification: Likely benign for Hereditary cancer-predisposing syndrome. Last evaluated: 2015-11-30. Review status: criteria provided, single submitter. Criteria: ACMG Guidelines, 2015. Collection method: clinical testing. Allele origin: germline. Not counted in ClinVar's aggregate classification.

Ambry Genetics
Classification: Likely benign for Hereditary cancer-predisposing syndrome. Last evaluated: 2014-10-03. Review status: criteria provided, single submitter. Criteria: Ambry Variant Classification Scheme 2023. Collection method: clinical testing. Allele origin: germline. Not counted in ClinVar's aggregate classification.

PreventionGenetics, part of Exact Sciences
Classification: Likely benign for BRCA1-related condition. Last evaluated: 2021-01-18. Review status: no assertion criteria provided. Collection method: clinical testing. Allele origin: germline. Not counted in ClinVar's aggregate classification.
Comment: This variant is classified as likely benign based on ACMG/AMP sequence variant interpretation guidelines (Richards et al. 2015 PMID: 25741868, with internal and published modifications).

Counsyl
Classification: Likely benign for Breast-ovarian cancer, familial, susceptibility to, 1. Last evaluated: 2018-03-15. Review status: no assertion criteria provided. Collection method: clinical testing. Allele origin: unknown. Not counted in ClinVar's aggregate classification.

Department of Pathology and Laboratory Medicine, Sinai Health System
Classification: Likely benign for Malignant tumor of breast. Review status: no assertion criteria provided. Collection method: clinical testing. Allele origin: unknown. Affected: yes. Observed: 1 variant allele. Study: The Canadian Open Genetics Repository (COGR). Not counted in ClinVar's aggregate classification.
Comment: The BRCA1 p.Gly275= variant was identified in 3 of 115522 proband chromosomes (frequency: 0.00003) from individuals or families with breast cancer and was not identified in 278 control chromosomes from healthy individuals (Borg 2010, Judkins 2005, van der Stoep 2009). The variant was also identified in dbSNP (ID: rs397509328) as with uncertain significance allele. In addition, the variant was identified in the ClinVar and Clinvitae databases (as likely benign by Evidence-based Network for the Interpretation of Germline Mutant Alleles, Invitae, GeneDx and Ambry Genetics; and as uncertain significance by Integrated Genetics/Laboratory Corporation of America). The variant was further identified in the LOVD 3.0 database 8x with unknown effect; in the UMD-LSDB database (1x as uncertain significance variant). The variant was not identified in the COGR, Cosmic, MutDB, BIC, ARUP Laboratories, or Zhejiang University databases. The variant was identified in control databases in 15 of 245538 chromosomes at a frequency of 0.00006 (Genome Aggregation Database Feb 27, 2017). The variant was observed in the following populations: European Non-Finnish in 11 of 111318 chromosomes (freq: 0.0001), and East Asian in 4 of 17242 chromosomes (freq: 0.0002), while the variant was not observed in the African, Other, Latino, Ashkenazi Jewish, European Finnish, and South Asian populations. The variant was also identified in the 1000 Genomes Project in 2 of 5000 chromosomes (frequency: 0.0004). In order to study the effects of synonymous substitutions on BRCA1 splicing, RT-PCR of a mini-gene product was performed. The resulting BRCA1 splicing products showed that c.825C>T variant increases levels of an alternate BRCA1 splice variant referred to as D(11q) isoform, however the role of this isoform is unclear (Raponi 2012). The p.Gly275= variant is not expected to have clinical significance because it does not result in a change of amino acid and is not located in a known consensus splice site. In addition, in silico or computational prediction software programs (SpliceSiteFinder, MaxEntScan, NNSPLICE, GeneSplicer, HumanSpliceFinder) do not predict a difference in splicing. In summary, based on the above information the clinical significance of this variant cannot be determined with certainty at this time although we would lean towards a more benign role for this variant. This variant is classified as likely benign.

Literature cited by the submitters: PubMed 29168416 (cited by Quest Diagnostics Nichols Institute San Juan Capistrano and Counsyl); PubMed 22615956 (cited by 3 submitters); PubMed 16267036 (cited by Quest Diagnostics Nichols Institute San Juan Capistrano and Women's Health and Genetics/Laboratory Corporation of America, LabCorp); PubMed 20104584 (cited by 3 submitters); PubMed 19370767 (cited by Women's Health and Genetics/Laboratory Corporation of America, LabCorp and Counsyl).